The following is an entry in ClinVar:

ClinVar aggregate classification (germline): Uncertain significance. Review status: criteria provided, multiple submitters, no conflicts (2 of 4 stars). 2 submissions from 2 submitters: Uncertain significance (2). Last evaluated 2025-12-08.

Conditions:
Primary familial hypertrophic cardiomyopathy (HCM). Identifiers: Orphanet 99739, MedGen C0949658, MeSH D024741, MONDO:0024573. Inheritance: Various modes of inheritance.
Dilated cardiomyopathy 1AA (CMD1AA). Also called: CARDIOMYOPATHY, DILATED, 1AA, WITH OR WITHOUT LEFT VENTRICULAR NONCOMPACTION; CARDIOMYOPATHY, FAMILIAL HYPERTROPHIC, 23, WITH OR WITHOUT LEFT VENTRICULAR NONCOMPACTION; Cardiomyopathy, dilated, 1AA, with or without LVNC. Identifiers: Orphanet 154, MedGen C2677338, MONDO:0012808, OMIM 612158.

Allele frequency attached by ClinVar (database versions not stated): gnomAD exomes below 0.00001 and 0.00001.

Submissions (2):

Labcorp Genetics (formerly Invitae), Labcorp
Classification: Uncertain significance for Primary familial hypertrophic cardiomyopathy; Dilated cardiomyopathy 1AA. Last evaluated: 2025-12-08. Review status: criteria provided, single submitter. Criteria: Invitae Variant Classification Sherloc (09022015). Collection method: clinical testing. Allele origin: germline.
Comment: This sequence change replaces aspartic acid, which is acidic and polar, with glycine, which is neutral and non-polar, at codon 481 of the ACTN2 protein (p.Asp481Gly). This variant is present in population databases (no rsID available, gnomAD 0.0009%). This variant has not been reported in the literature in individuals affected with ACTN2-related conditions. ClinVar contains an entry for this variant (Variation ID: 373505). Invitae Evidence Modeling of protein sequence and biophysical properties (such as structural, functional, and spatial information, amino acid conservation, physicochemical variation, residue mobility, and thermodynamic stability) indicates that this missense variant is not expected to disrupt ACTN2 protein function with a negative predictive value of 80%. In summary, the available evidence is currently insufficient to determine the role of this variant in disease. Therefore, it has been classified as a Variant of Uncertain Significance.

GeneDx
Classification: Uncertain significance. Last evaluated: 2016-11-22. Review status: criteria provided, single submitter. Criteria: GeneDx Variant Classification (06012015). Collection method: clinical testing. Allele origin: germline. Affected: yes.
Comment: A variant of uncertain significance has been identified in the ACTN2 gene. The D481G variant has not been published as a pathogenic variant, nor has it been reported as a benign variant to our knowledge. The D481G variant was not observed in approximately 6,500 individuals of European and African American ancestry in the NHLBI Exome Sequencing Project, indicating it is not a common benign variant in these populations. Additionally, this substitution occurs at a position that is conserved in mammals, and it is a non-conservative amino acid substitution, which is likely to impact secondary protein structure as these residues differ in polarity, charge, size and/or other properties. Nevertheless, in silico analysis is inconsistent in its predictions as to whether or not the variant is damaging to the protein structure/function.Therefore, based on the currently available information, it is unclear whether this variant is pathogenic or rare benign.

NM_001103.4(ACTN2):c.1442A>G (p.Asp481Gly)

Gene: ACTN2 (actinin alpha 2; plus strand). Cytogenetic location: 1q43.
Variant type: single nucleotide variant.
Coding change: c.1442A>G on transcript NM_001103.4 (MANE Select); coding-DNA position 1442, A replaced by G.
Protein change: p.Asp481Gly; replaces aspartic acid 481 with glycine.
Molecular consequence: missense variant.
Genome position (GRCh38, 1-based): chr1:236,747,702, A>G. VCF-style: chr1-236747702-A-G. GRCh37 (hg19) VCF-style: chr1-236911002-A-G.
Other names: c.1442A>G, p.Asp481Gly (NM_001278343.2); c.818A>G, p.Asp273Gly (NM_001278344.2); short protein forms D481G, D273G.
Identifiers: ClinVar variation 373505 (VCV000373505.4), dbSNP rs1057518451, ClinGen allele CA16042343.